The following is an entry in ClinVar:

ClinVar aggregate classification (germline): Uncertain significance (1 of 4 stars; one submission).

Conditions:
Immunodeficiency 14 (IMD14A). Also called: ACTIVATED PI3K-DELTA SYNDROME 1; Activated PI3K Delta Syndrome Type 1 (APDS1); p110-DELTA-ACTIVATING MUTATION CAUSING SENESCENT T CELLS, LYMPHADENOPATHY, AND IMMUNODEFICIENCY; IMMUNODEFICIENCY 14A WITH LYMPHOPROLIFERATION, AUTOSOMAL DOMINANT. Identifiers: Orphanet 397596, Orphanet 693661, MedGen C5907821, MONDO:0014222, OMIM 615513.

Submission:

Labcorp Genetics (formerly Invitae), Labcorp
Classification: Uncertain significance for Activated PI3K-delta syndrome. Last evaluated: 2020-11-24. Review status: criteria provided, single submitter. Criteria: Invitae Variant Classification Sherloc (09022015). Collection method: clinical testing. Allele origin: germline.
Comment: This sequence change replaces proline with serine at codon 385 of the PIK3CD protein (p.Pro385Ser). The proline residue is highly conserved and there is a moderate physicochemical difference between proline and serine. This variant is not present in population databases (ExAC no frequency). This variant has not been reported in the literature in individuals with PIK3CD-related conditions. Algorithms developed to predict the effect of missense changes on protein structure and function are either unavailable or do not agree on the potential impact of this missense change (SIFT: "Deleterious"; PolyPhen-2: "Probably Damaging"; Align-GVGD: "Class C0"). In summary, the available evidence is currently insufficient to determine the role of this variant in disease. Therefore, it has been classified as a Variant of Uncertain Significance.

NM_005026.5(PIK3CD):c.1153C>T (p.Pro385Ser)

Genes: PIK3CD (phosphatidylinositol-4,5-bisphosphate 3-kinase catalytic subunit delta; plus strand), LOC126805612 (MED14-independent group 3 enhancer GRCh37_chr1:9778914-9780113; plus strand). Cytogenetic location: 1p36.22.
Variant type: single nucleotide variant.
Coding change: c.1153C>T on transcript NM_005026.5 (MANE Select); coding-DNA position 1153, C replaced by T.
Protein change: p.Pro385Ser; replaces proline 385 with serine.
Molecular consequence: missense variant.
Genome position (GRCh38, 1-based): chr1:9,718,826, C>T. VCF-style: chr1-9718826-C-T. GRCh37 (hg19) VCF-style: chr1-9778884-C-T.
Other names: c.1153C>T, p.Pro385Ser (NM_001350234.2); c.1066C>T, p.Pro356Ser (NM_001350235.1); short protein forms P385S, P356S.
Identifiers: ClinVar variation 1425491 (VCV001425491.8), dbSNP rs2100908773, ClinGen allele CA338302220.